The following is an entry in ClinVar:

ClinVar aggregate classification (germline): Uncertain significance (1 of 4 stars; one submission).

Conditions:
Catecholaminergic polymorphic ventricular tachycardia 1. Also called: VENTRICULAR TACHYCARDIA, CATECHOLAMINERGIC POLYMORPHIC, 1, WITH OR WITHOUT ATRIAL DYSFUNCTION AND/OR DILATED CARDIOMYOPATHY; RYR2-Related Catecholaminergic Polymorphic Ventricular Tachycardia; VENTRICULAR TACHYCARDIA, STRESS-INDUCED POLYMORPHIC 1. Identifiers: Orphanet 3286, MedGen C1631597, MONDO:0011484, OMIM 604772.

Submission:

Labcorp Genetics (formerly Invitae), Labcorp
Classification: Uncertain significance for Catecholaminergic polymorphic ventricular tachycardia 1. Last evaluated: 2019-11-13. Review status: criteria provided, single submitter. Criteria: Invitae Variant Classification Sherloc (09022015). Collection method: clinical testing. Allele origin: germline.
Comment: In summary, the available evidence is currently insufficient to determine the role of this variant in disease. Therefore, it has been classified as a Variant of Uncertain Significance. Experimental studies and prediction algorithms are not available or were not evaluated, and the functional significance of this variant is currently unknown. This variant has not been reported in the literature in individuals with TRDN-related conditions. This variant results in a copy number gain of the genomic region encompassing exons 7-9 of the TRDN gene. While the exact position of this variant cannot be determined from this data, sub-genic copy number gains are generally in tandem (PMID: 25640679). This variant would be expected to be in-frame, preserving the integrity of the reading frame.

Literature cited by the submitters: PubMed 25640679.

NC_000006.12:g.(?_123497183)_(123512372_?)dup

Gene: TRDN (triadin; minus strand). Cytogenetic location: 6q22.31.
Variant type: Duplication.
Identifiers: ClinVar variation 833425 (VCV000833425.44).